The following is an entry in ClinVar:

NM_000463.3(UGT1A1):c.835A>T (p.Asn279Tyr)

Genes: UGT1A9 (UDP glucuronosyltransferase family 1 member A9; plus strand), UGT1A10 (UDP glucuronosyltransferase family 1 member A10; plus strand), UGT1A3 (UDP glucuronosyltransferase family 1 member A3; plus strand), UGT1A5 (UDP glucuronosyltransferase family 1 member A5; plus strand), UGT1A6 (UDP glucuronosyltransferase family 1 member A6; plus strand) and 5 more. Cytogenetic location: 2q37.1.
Variant type: single nucleotide variant.
Coding change: c.835A>T on transcript NM_000463.3 (MANE Select); coding-DNA position 835, A replaced by T.
Protein change: p.Asn279Tyr; replaces asparagine 279 with tyrosine.
Molecular consequence: missense variant. On other transcripts: intron variant (9).
Genome position (GRCh38, 1-based): chr2:233,761,122, A>T. VCF-style: chr2-233761122-A-T. GRCh37 (hg19) VCF-style: chr2-234669768-A-T.
Other names: c.856-5912A>T (NM_019076.5, NM_019075.4, NM_021027.3 and 1 more transcripts); c.61-5912A>T (NM_205862.3); c.862-5912A>T (NM_001072.4); c.868-5912A>T (NM_019078.2, NM_007120.3, NM_019093.4); short protein forms N279Y.
Identifiers: ClinVar variation 498039 (VCV000498039.24), dbSNP rs397978903, ClinGen allele CA2179896.

ClinVar aggregate classification (germline): Conflicting classifications of pathogenicity. Review status: criteria provided, conflicting classifications (1 of 4 stars). 6 submissions from 6 submitters: Pathogenic (1); Uncertain significance (5). Last evaluated 2026-09-13.

Conditions:
UGT1A1-related disorder. Also called: UGT1A1-related condition; UGT1A1-related disorders.
Crigler-Najjar syndrome, type II. Also called: HYPERBILIRUBINEMIA, CRIGLER-NAJJAR TYPE II; Crigler Najjar syndrome, type 2; Mutation in the UDP-glucuronosyl-transferase gene. Identifiers: Orphanet 205, Orphanet 79235, MedGen C2931132, MONDO:0011725, OMIM 606785.

Allele frequency attached by ClinVar (database versions not stated): ExAC 0.00001; gnomAD 0.00003; gnomAD exomes 0.00003 and 0.00009; TOPMed 0.00003.
gnomAD v4.1: 136 of 1,614,116 alleles (0.0084%); highest among the groups gnomAD compares: Non-Finnish European, 0.011%; no homozygotes.

Submissions (6):

PreventionGenetics, part of Exact Sciences
Classification: Uncertain significance for UGT1A1-related condition. Last evaluated: 2026-09-13. Review status: criteria provided, single submitter. Criteria: ACMG Guidelines, 2015. Collection method: clinical testing. Allele origin: germline.
Comment: The UGT1A1 c.835A>T variant is predicted to result in the amino acid substitution p.Asn279Tyr. This variant was reported in the heterozygous state in two individuals who presented with Crigler-Najjar type II; both patients also carried the risk variant c.-41_-40dup on the opposite allele (D’Apolito et al. 2007. PubMed ID: 17229650; Perretti et al. 2007. PubMed ID: 18058623). This variant was also reported in the heterozygous state alongside a nonsense variant (c.1069C>T, p.Gln357Ter) in a patient with Crigler-Najjar type I (Kadakol et al. 2000. PubMed ID: 11013440). Although we suspect that this variant may be pathogenic, at this time, the clinical significance of this variant is uncertain due to the absence of conclusive functional and genetic evidence.

Labcorp Genetics (formerly Invitae), Labcorp
Classification: Uncertain significance. Last evaluated: 2025-09-08. Review status: criteria provided, single submitter. Criteria: Invitae Variant Classification Sherloc (09022015). Collection method: clinical testing. Allele origin: germline.
Comment: This sequence change replaces asparagine, which is neutral and polar, with tyrosine, which is neutral and polar, at codon 279 of the UGT1A1 protein (p.Asn279Tyr). This variant is present in population databases (rs397978903, gnomAD 0.006%). This missense change has been observed in individual(s) with Crigler-Najjar syndrome type I or type II (PMID: 11013440, 17229650, 18058623). ClinVar contains an entry for this variant (Variation ID: 498039). Invitae Evidence Modeling of protein sequence and biophysical properties (such as structural, functional, and spatial information, amino acid conservation, physicochemical variation, residue mobility, and thermodynamic stability) indicates that this missense variant is not expected to disrupt UGT1A1 protein function with a negative predictive value of 80%. In summary, the available evidence is currently insufficient to determine the role of this variant in disease. Therefore, it has been classified as a Variant of Uncertain Significance.

ARUP Laboratories, Molecular Genetics and Genomics, ARUP Laboratories
Classification: Uncertain significance. Last evaluated: 2023-12-18. Review status: criteria provided, single submitter. Criteria: ARUP Molecular Germline Variant Investigation Process 2024. Collection method: clinical testing. Allele origin: germline.
Comment: The UGT1A1 c.835A>T; p.Asn279Tyr variant (rs397978903) is reported in the compound heterozygous state in individuals affected with Crigler-Najjar syndrome (D'Apolito 2007, Kadakol 2000, Perretti 2007). This variant is also reported in ClinVar (Variation ID: 498039), and is found in the general population with an overall allele frequency of 0.0028% (7/249192 alleles) in the Genome Aggregation Database. Computational analyses are uncertain whether this variant is neutral or deleterious (REVEL: 0.445). However, given the lack of clinical and functional data, the clinical significance of the p.Asn279Tyr variant is uncertain at this time. References: D'Apolito M et al. Seven novel mutations of the UGT1A1 gene in patients with unconjugated hyperbilirubinemia. Haematologica. 2007 Jan;92(1):133-4. PMID: 17229650. Kadakol A et al. Genetic lesions of bilirubin uridine-diphosphoglucuronate glucuronosyltransferase (UGT1A1) causing Crigler-Najjar and Gilbert syndromes: correlation of genotype to phenotype. Hum Mutat. 2000 Oct;16(4):297-306. PMID: 11013440. Perretti A et al. Clinical utility of electrophysiological evaluation in Crigler-Najjar syndrome. Neuropediatrics. 2007 Aug;38(4):173-8. PMID: 18058623.

Revvity Omics, Revvity
Classification: Uncertain significance. Last evaluated: 2023-06-20. Review status: criteria provided, single submitter. Criteria: ACMG Guidelines, 2015. Collection method: clinical testing. Allele origin: germline.

Mendelics
Classification: Pathogenic for Crigler-Najjar syndrome, type II. Last evaluated: 2019-05-28. Review status: criteria provided, single submitter. Criteria: Mendelics Assertion Criteria 2017. Collection method: clinical testing. Allele origin: unknown.

Eurofins Ntd Llc (ga)
Classification: Uncertain significance. Last evaluated: 2017-07-27. Review status: criteria provided, single submitter. Criteria: EGL Classification Definitions 2015. Collection method: clinical testing. Allele origin: germline. Observed: 2 variant alleles, 2 heterozygotes.

Literature cited by the submitters: PubMed 11013440 (cited by Labcorp Genetics (formerly Invitae), Labcorp); PubMed 17229650 (cited by Labcorp Genetics (formerly Invitae), Labcorp and Eurofins Ntd Llc (ga)); PubMed 18058623 (cited by Labcorp Genetics (formerly Invitae), Labcorp).